The following is an entry in ClinVar:

ClinVar aggregate classification (germline): Uncertain significance. Review status: criteria provided, multiple submitters, no conflicts (2 of 4 stars). 2 submissions from 2 submitters: Uncertain significance (2). Last evaluated 2025-11-20.

Conditions:
Autoimmune lymphoproliferative syndrome type 2A (ALPS2A). Also called: AUTOIMMUNE LYMPHOPROLIFERATIVE SYNDROME, TYPE IIA; CASP10-Related Autoimmune Lymphoproliferative Syndrome; Autoimmune lymphoproliferative syndrome type 2. Identifiers: Orphanet 3261, MedGen C1858968, MONDO:0011383, OMIM 603909.

Allele frequency attached by ClinVar (database versions not stated): ExAC 0.00001; gnomAD exomes 0.00001; TOPMed 0.00001; ESP Exome Variant Server 0.00008.
gnomAD v4.1: 13 of 1,613,964 alleles (0.00081%); highest among the groups gnomAD compares: East Asian, 0.0022%; no homozygotes.

Submissions (2):

Ambry Genetics
Classification: Uncertain significance. Last evaluated: 2025-11-20. Review status: criteria provided, single submitter. Criteria: Ambry Variant Classification Scheme 2023. Collection method: clinical testing. Allele origin: germline.

Labcorp Genetics (formerly Invitae), Labcorp
Classification: Uncertain significance for Autoimmune lymphoproliferative syndrome type 2A. Last evaluated: 2024-05-26. Review status: criteria provided, single submitter. Criteria: Invitae Variant Classification Sherloc (09022015). Collection method: clinical testing. Allele origin: germline.
Comment: This sequence change replaces arginine, which is basic and polar, with glutamine, which is neutral and polar, at codon 375 of the CASP10 protein (p.Arg375Gln). This variant is present in population databases (rs375798142, gnomAD 0.006%). This variant has not been reported in the literature in individuals affected with CASP10-related conditions. ClinVar contains an entry for this variant (Variation ID: 1355338). Advanced modeling of protein sequence and biophysical properties (such as structural, functional, and spatial information, amino acid conservation, physicochemical variation, residue mobility, and thermodynamic stability) performed at Invitae indicates that this missense variant is not expected to disrupt CASP10 protein function with a negative predictive value of 80%. In summary, the available evidence is currently insufficient to determine the role of this variant in disease. Therefore, it has been classified as a Variant of Uncertain Significance.

NM_032977.4(CASP10):c.1124G>A (p.Arg375Gln)

Gene: CASP10 (caspase 10; plus strand). Cytogenetic location: 2q33.1.
Variant type: single nucleotide variant.
Coding change: c.1124G>A on transcript NM_032977.4 (MANE Select); coding-DNA position 1124, G replaced by A.
Protein change: p.Arg375Gln; replaces arginine 375 with glutamine.
Molecular consequence: missense variant. On other transcripts: 3 prime UTR variant (1).
Genome position (GRCh38, 1-based): chr2:201,209,271, G>A. VCF-style: chr2-201209271-G-A. GRCh37 (hg19) VCF-style: chr2-202073994-G-A.
Other names: c.923G>A, p.Arg308Gln (NM_001206524.2); c.995G>A, p.Arg332Gln (NM_001206542.2, NM_001230.5); c.1124G>A, p.Arg375Gln (NM_032974.5); c.*210G>A (NM_032976.4); c.1124G>A (NM_032977.3); short protein forms R332Q, R308Q, R375Q.
Identifiers: ClinVar variation 1355338 (VCV001355338.9), dbSNP rs375798142, ClinGen allele CA2053187.